The following is an entry in ClinVar:

NM_032634.4(PIGO):c.1351A>G (p.Met451Val)

Gene: PIGO (phosphatidylinositol glycan anchor biosynthesis class O; minus strand). Cytogenetic location: 9p13.3.
Variant type: single nucleotide variant.
Coding change: c.1351A>G on transcript NM_032634.4 (MANE Select); coding-DNA position 1351, A replaced by G.
Protein change: p.Met451Val; replaces methionine 451 with valine.
Molecular consequence: missense variant. On other transcripts: intron variant (2).
Genome position (GRCh38, 1-based): chr9:35,092,536, T>C on the plus strand (A>G on the coding strand, the complement: PIGO is on the minus strand). VCF-style: chr9-35092536-T-C. GRCh37 (hg19) VCF-style: chr9-35092533-T-C.
Other names: c.1344+7A>G (NM_152850.4, NM_001201484.2); short protein forms M451V.
Identifiers: ClinVar variation 647338 (VCV000647338.8), dbSNP rs1477371877, ClinGen allele CA373322291.
Genomic context (GRCh38, chr9:35,092,536, plus strand): 5'-ACTGAGATGCCAGCAGGCAGATAAAGCAGGAAGCAGCCAAGAGAGCAGTACCCCCCGCCA[T>C]GCGGACCAGAGAGAAACGAGCCCAAGACTCGATGCACATGGCCCGAGCTCCCCGCAGGAA-3'
Protein context (NP_116023.2, residues 441-461): ESWARFSLVR[Met451Val]AGGTALLAAS

ClinVar aggregate classification (germline): Uncertain significance (1 of 4 stars; one submission).

Conditions:
Hyperphosphatasia with impaired intellectual development syndrome 2. Also called: Hyperphosphatasia with intellectual disability syndrome 2; GLYCOSYLPHOSPHATIDYLINOSITOL BIOSYNTHESIS DEFECT 6. Identifiers: Orphanet 247262, MedGen C3553637, MONDO:0013882, OMIM 614749.

Allele frequency attached by ClinVar (database versions not stated): gnomAD exomes 0.00001 and below 0.00001.
gnomAD v4.1: 9 of 1,614,162 alleles (0.00056%); highest among the groups gnomAD compares: Non-Finnish European, 0.00076%; no homozygotes.

Submission:

Labcorp Genetics (formerly Invitae), Labcorp
Classification: Uncertain significance for Hyperphosphatasia with impaired intellectual development syndrome 2. Last evaluated: 2024-11-11. Review status: criteria provided, single submitter. Criteria: Invitae Variant Classification Sherloc (09022015). Collection method: clinical testing. Allele origin: germline.
Comment: This sequence change replaces methionine, which is neutral and non-polar, with valine, which is neutral and non-polar, at codon 451 of the PIGO protein (p.Met451Val). This variant is present in population databases (no rsID available, gnomAD 0.0009%). This variant has not been reported in the literature in individuals affected with PIGO-related conditions. ClinVar contains an entry for this variant (Variation ID: 647338). Invitae Evidence Modeling of protein sequence and biophysical properties (such as structural, functional, and spatial information, amino acid conservation, physicochemical variation, residue mobility, and thermodynamic stability) has been performed for this missense variant. However, the output from this modeling did not meet the statistical confidence thresholds required to predict the impact of this variant on PIGO protein function. In summary, the available evidence is currently insufficient to determine the role of this variant in disease. Therefore, it has been classified as a Variant of Uncertain Significance.